The following is an entry in ClinVar:

ClinVar aggregate classification (germline): Likely benign (1 of 4 stars; one submission).

Submission:

GeneDx
Classification: Likely benign. Last evaluated: 2018-02-21. Review status: criteria provided, single submitter. Criteria: GeneDx Variant Classification (06012015). Collection method: clinical testing. Allele origin: germline. Affected: yes.
Comment: This variant is considered likely benign or benign based on one or more of the following criteria: it is a conservative change, it occurs at a poorly conserved position in the protein, it is predicted to be benign by multiple in silico algorithms, and/or has population frequency not consistent with disease.

NM_005422.4(TECTA):c.5383+8A>G

Genes: TBCEL-TECTA (TBCEL-TECTA readthrough; plus strand), TECTA (tectorin alpha; plus strand). Cytogenetic location: 11q23.3.
Variant type: single nucleotide variant.
Coding change: c.5383+8A>G on transcript NM_005422.4 (MANE Select); 8 bases into the intron after coding-DNA position 5383, A replaced by G.
Molecular consequence: intron variant.
Genome position (GRCh38, 1-based): chr11:121,165,391, A>G. VCF-style: chr11-121165391-A-G. GRCh37 (hg19) VCF-style: chr11-121036100-A-G.
Other names: c.6325+8A>G (NM_001378761.1).
Identifiers: ClinVar variation 515619 (VCV000515619.1), dbSNP rs1555128731, ClinGen allele CA658797821.
Genomic context (GRCh38, chr11:121,165,391, plus strand): 5'-GGGCAATGGCAGGGAGCTGTGTGGCTGCATCGAGCCACCCCCCTATGGAAATAGTGAGTG[A>G]CATGGGCCACCTCCCCACCCAGAAAGGCCCCATGGGAGATGCTGCTCTGGGGAACGACCT-3'